The following is an entry in ClinVar:

NM_012281.3(KCND2):c.1567C>A (p.Gln523Lys)

Gene: KCND2 (potassium voltage-gated channel subfamily D member 2; plus strand). Cytogenetic location: 7q31.31.
Variant type: single nucleotide variant.
Coding change: c.1567C>A on transcript NM_012281.3 (MANE Select); coding-DNA position 1567, C replaced by A.
Protein change: p.Gln523Lys; replaces glutamine 523 with lysine.
Molecular consequence: missense variant.
Genome position (GRCh38, 1-based): chr7:120,745,879, C>A. VCF-style: chr7-120745879-C-A. GRCh37 (hg19) VCF-style: chr7-120385933-C-A.
Other names: short protein forms Q523K.
Identifiers: ClinVar variation 1719555 (VCV001719555.5), dbSNP rs2485216576, ClinGen allele CA369135517.

ClinVar aggregate classification (germline): Uncertain significance (1 of 4 stars; one submission).

Conditions:
Early Myoclonic Encephalopathy. Identifiers: MedGen C0270855.

Submission:

Labcorp Genetics (formerly Invitae), Labcorp
Classification: Uncertain significance for Early Myoclonic Encephalopathy. Last evaluated: 2022-09-15. Review status: criteria provided, single submitter. Criteria: Invitae Variant Classification Sherloc (09022015). Collection method: clinical testing. Allele origin: germline.
Comment: This variant is not present in population databases (gnomAD no frequency). This sequence change replaces glutamine, which is neutral and polar, with lysine, which is basic and polar, at codon 523 of the KCND2 protein (p.Gln523Lys). In summary, the available evidence is currently insufficient to determine the role of this variant in disease. Therefore, it has been classified as a Variant of Uncertain Significance. Advanced modeling of protein sequence and biophysical properties (such as structural, functional, and spatial information, amino acid conservation, physicochemical variation, residue mobility, and thermodynamic stability) performed at Invitae indicates that this missense variant is not expected to disrupt KCND2 protein function. This variant has not been reported in the literature in individuals affected with KCND2-related conditions.